The following is an entry in ClinVar:

ClinVar aggregate classification (germline): Uncertain significance. Review status: criteria provided, multiple submitters, no conflicts (2 of 4 stars). 3 submissions from 3 submitters: Uncertain significance (3). Last evaluated 2024-12-31.

Conditions:
Inborn genetic diseases. Identifiers: MedGen C0950123, MeSH D030342.
BBS7-related ciliopathy. Identifiers: MedGen CN378628, MONDO:1040042.
Bardet-Biedl syndrome (BBS). Identifiers: Orphanet 110, MedGen C0752166, MONDO:0015229.

Allele frequency attached by ClinVar (database versions not stated): gnomAD exomes below 0.00001 and 0.00001; ExAC 0.00001.
gnomAD v4.1: 5 of 1,613,260 alleles (0.00031%); highest among the groups gnomAD compares: East Asian, 0.0089%; no homozygotes.

Submissions (3):

Ambry Genetics
Classification: Uncertain significance for Inborn genetic diseases. Last evaluated: 2024-12-31. Review status: criteria provided, single submitter. Criteria: Ambry Variant Classification Scheme 2023. Collection method: clinical testing. Allele origin: germline.

Department of Pathology and Laboratory Medicine, Sinai Health System
Classification: Uncertain significance for BBS7-related ciliopathy. Last evaluated: 2022-10-27. Review status: criteria provided, single submitter. Criteria: ACMG Guidelines, 2015. Collection method: research. Allele origin: germline.

Labcorp Genetics (formerly Invitae), Labcorp
Classification: Uncertain significance for Bardet-Biedl syndrome. Last evaluated: 2022-04-13. Review status: criteria provided, single submitter. Criteria: Invitae Variant Classification Sherloc (09022015). Collection method: clinical testing. Allele origin: germline.
Comment: This sequence change replaces glutamine, which is neutral and polar, with proline, which is neutral and non-polar, at codon 364 of the BBS7 protein (p.Gln364Pro). This variant is present in population databases (rs746699644, gnomAD 0.01%). This variant has not been reported in the literature in individuals affected with BBS7-related conditions. Algorithms developed to predict the effect of missense changes on protein structure and function (SIFT, PolyPhen-2, Align-GVGD) all suggest that this variant is likely to be disruptive. In summary, the available evidence is currently insufficient to determine the role of this variant in disease. Therefore, it has been classified as a Variant of Uncertain Significance.

NM_176824.3(BBS7):c.1091A>C (p.Gln364Pro)

Gene: BBS7 (Bardet-Biedl syndrome 7; minus strand). Cytogenetic location: 4q27.
Variant type: single nucleotide variant.
Coding change: c.1091A>C on transcript NM_176824.3 (MANE Select); coding-DNA position 1091, A replaced by C.
Protein change: p.Gln364Pro; replaces glutamine 364 with proline.
Molecular consequence: missense variant.
Genome position (GRCh38, 1-based): chr4:121,845,643, T>G on the plus strand (A>C on the coding strand, the complement: BBS7 is on the minus strand). VCF-style: chr4-121845643-T-G. GRCh37 (hg19) VCF-style: chr4-122766798-T-G.
Other names: c.1091A>C (NM_176824.2); c.1091A>C, p.Gln364Pro (NM_018190.4); short protein forms Q364P.
Identifiers: ClinVar variation 1414957 (VCV001414957.7), dbSNP rs746699644, ClinGen allele CA3064319.